The following is an entry in ClinVar:

NM_001009944.3(PKD1):c.5401C>T (p.Pro1801Ser)

Gene: PKD1 (polycystin 1, transient receptor potential channel interacting; minus strand). Cytogenetic location: 16p13.3.
Variant type: single nucleotide variant.
Coding change: c.5401C>T on transcript NM_001009944.3 (MANE Select); coding-DNA position 5401, C replaced by T.
Protein change: p.Pro1801Ser; replaces proline 1801 with serine.
Molecular consequence: missense variant.
Genome position (GRCh38, 1-based): chr16:2,109,766, G>A on the plus strand (C>T on the coding strand, the complement: PKD1 is on the minus strand). VCF-style: chr16-2109766-G-A. GRCh37 (hg19) VCF-style: chr16-2159767-G-A.
Other names: c.5401C>T, p.Pro1801Ser (NM_000296.4); short protein forms P1801S.
Identifiers: ClinVar variation 4981537 (VCV004981537.1).
Genomic context (GRCh38, chr16:2,109,766, plus strand): 5'-ACCCGGCCGCCACGAAGCTGCCTCCGGGCTCGCTGGCCCTGATGCTGAGGCCACTCACAG[G>A]CACCTGCACATCCACTTCCACGGTGGCGTTGGCTGAGCCCAGCGGGTTCCCTGCCGTCAT-3'
Protein context (NP_001009944.3, residues 1791-1811): NATVEVDVQV[Pro1801Ser]VSGLSIRASE

ClinVar aggregate classification (germline): Uncertain significance (1 of 4 stars; one submission).

Conditions:
PKD1-related disorder. Also called: PKD1-related condition.

gnomAD v4.1: 30 of 1,609,698 alleles (0.0019%); highest among the groups gnomAD compares: East Asian, 0.0089%; no homozygotes.

Submission:

PreventionGenetics, part of Exact Sciences
Classification: Uncertain significance for PKD1-related condition. Last evaluated: 2025-11-06. Review status: criteria provided, single submitter. Criteria: ACMG Guidelines, 2015. Collection method: clinical testing. Allele origin: germline.
Comment: The PKD1 c.5401C>T variant is predicted to result in the amino acid substitution p.Pro1801Ser. This variant was reported with another missense variant in PKD1 in an individual affected by epilepsy and febrile seizures (Wang et al. 2022. PubMed ID: 35620448). This variant is reported in 0.022% of alleles in individuals of East Asian descent in gnomAD. Although we suspect that this variant may be benign, at this time, the clinical significance of this variant is uncertain due to the absence of conclusive functional and genetic evidence.